The following is an entry in ClinVar:

NM_006306.4(SMC1A):c.1681A>C (p.Lys561Gln)

Gene: SMC1A (structural maintenance of chromosomes 1A; minus strand). Cytogenetic location: Xp11.22.
Variant type: single nucleotide variant.
Coding change: c.1681A>C on transcript NM_006306.4 (MANE Select); coding-DNA position 1681, A replaced by C.
Protein change: p.Lys561Gln; replaces lysine 561 with glutamine.
Molecular consequence: missense variant.
Genome position (GRCh38, 1-based): chrX:53,405,821, T>G on the plus strand (A>C on the coding strand, the complement: SMC1A is on the minus strand). VCF-style: chrX-53405821-T-G. GRCh37 (hg19) VCF-style: chrX-53432753-T-G.
Other names: c.1615A>C, p.Lys539Gln (NM_001281463.1); short protein forms K539Q, K561Q.
Identifiers: ClinVar variation 845175 (VCV000845175.9), dbSNP rs2075689185, ClinGen allele CA413253566.

ClinVar aggregate classification (germline): Uncertain significance (1 of 4 stars; one submission).

Conditions:
Congenital muscular hypertrophy-cerebral syndrome (CDLS2). Also called: Cornelia de Lange syndrome 2; SMC1A-Related Cornelia de Lange Syndrome. Identifiers: Orphanet 199, MedGen C1802395, MONDO:0010370, OMIM 300590.

Submission:

Labcorp Genetics (formerly Invitae), Labcorp
Classification: Uncertain significance for Congenital muscular hypertrophy-cerebral syndrome. Last evaluated: 2019-01-26. Review status: criteria provided, single submitter. Criteria: Invitae Variant Classification Sherloc (09022015). Collection method: clinical testing. Allele origin: germline.
Comment: Algorithms developed to predict the effect of missense changes on protein structure and function are either unavailable or do not agree on the potential impact of this missense change (SIFT: "Deleterious"; PolyPhen-2: "Probably Damaging"; Align-GVGD: "Class C0"). In summary, the available evidence is currently insufficient to determine the role of this variant in disease. Therefore, it has been classified as a Variant of Uncertain Significance. This variant has not been reported in the literature in individuals with SMC1A-related conditions. This variant is not present in population databases (ExAC no frequency). This sequence change replaces lysine with glutamine at codon 561 of the SMC1A protein (p.Lys561Gln). The lysine residue is highly conserved and there is a small physicochemical difference between lysine and glutamine.